The following is an entry in ClinVar:

NM_015030.2(FRYL):c.6587G>T (p.Ser2196Ile)

Gene: FRYL (FRY like transcription coactivator; minus strand). Cytogenetic location: 4p11.
Variant type: single nucleotide variant.
Coding change: c.6587G>T on transcript NM_015030.2 (MANE Select); coding-DNA position 6587, G replaced by T.
Protein change: p.Ser2196Ile; replaces serine 2196 with isoleucine.
Molecular consequence: missense variant.
Genome position (GRCh38, 1-based): chr4:48,534,663, C>A on the plus strand (G>T on the coding strand, the complement: FRYL is on the minus strand). VCF-style: chr4-48534663-C-A. GRCh37 (hg19) VCF-style: chr4-48536680-C-A.
Other names: short protein forms S2196I.
Identifiers: ClinVar variation 4527680 (VCV004527680.1).

ClinVar aggregate classification (germline): Uncertain significance (1 of 4 stars; one submission).

Submission:

GeneDx
Classification: Uncertain significance. Last evaluated: 2025-04-26. Review status: criteria provided, single submitter. Criteria: GeneDx Variant Classification Process June 2021. Collection method: clinical testing. Allele origin: germline. Affected: yes.
Comment: Not observed at significant frequency in large population cohorts (gnomAD); In silico analysis supports that this missense variant has a deleterious effect on protein structure/function; Has not been previously published as pathogenic or benign to our knowledge